The following is an entry in ClinVar:

ClinVar aggregate classification (germline): Uncertain significance (1 of 4 stars; one submission).

Submission:

Greenwood Genetic Center Diagnostic Laboratories, Greenwood Genetic Center
Classification: Uncertain significance. Last evaluated: 2024-06-06. Review status: criteria provided, single submitter. Criteria: ACMG Guidelines, 2015. Collection method: clinical testing. Allele origin: germline. Affected: yes.
Comment: PM2, BP4

NM_001394998.1(TANC2):c.3589+31del

Genes: TANC2 (tetratricopeptide repeat, ankyrin repeat and coiled-coil containing 2; plus strand), LOC105371856 (uncharacterized LOC105371856; minus strand). Cytogenetic location: 17q23.3.
Variant type: Deletion.
Coding change: c.3589+31del on transcript NM_001394998.1 (MANE Select); 31 bases into the intron after coding-DNA position 3589, one base deleted (C; older notation c.3589+31delC).
Molecular consequence: intron variant.
Genome position (GRCh38, 1-based): chr17:63,406,308, C deleted; the last of 2 consecutive C bases (chr17:63,406,307-63,406,308); deleting either gives the same sequence. VCF-style (leftmost placement, unchanged base first): chr17-63406306-GC-G. GRCh37 (hg19) VCF-style: chr17-61483667-GC-G.
Other names: c.3367+31del (NM_001411076.1, NM_025185.4).
Identifiers: ClinVar variation 3338547 (VCV003338547.1).
Genomic context (GRCh38, chr17:63,406,306, plus strand): 5'-TCTAGGAACCGTGGACTTTCTGCTTGCACAAGGTTAGTCTTGGAATGCTAGAGCTGGCTG[GC>G]CAGTTTCCATAATTACCTGGTGAACTCATGATTTCCAGCAATGGATCCCAGGAGATGCTA-3'